The following is an entry in ClinVar:

NM_002473.6(MYH9):c.4727G>A (p.Arg1576Gln)

Gene: MYH9 (myosin heavy chain 9; minus strand). Cytogenetic location: 22q12.3.
Variant type: single nucleotide variant.
Coding change: c.4727G>A on transcript NM_002473.6 (MANE Select); coding-DNA position 4727, G replaced by A.
Protein change: p.Arg1576Gln; replaces arginine 1576 with glutamine.
Molecular consequence: missense variant.
Genome position (GRCh38, 1-based): chr22:36,288,770, C>T on the plus strand (G>A on the coding strand, the complement: MYH9 is on the minus strand). VCF-style: chr22-36288770-C-T. GRCh37 (hg19) VCF-style: chr22-36684816-C-T.
Other names: c.4727G>A (NM_002473.5); short protein forms R1576Q.
Identifiers: ClinVar variation 164426 (VCV000164426.24), dbSNP rs143269195, ClinGen allele CA177072.

ClinVar aggregate classification (germline): Benign/Likely benign. Review status: criteria provided, multiple submitters, no conflicts (2 of 4 stars). 11 submissions from 10 submitters: Benign (5); Likely benign (5). 1 of the submissions does not count toward it. Last evaluated 2026-08-01.

Conditions:
MYH9-related disorder. Identifiers: MedGen C1854520.
Autosomal dominant nonsyndromic hearing loss 17. Also called: Deafness, autosomal dominant 17; Autosomal dominant nonsyndromic deafness 17. Identifiers: Orphanet 90635, MedGen C1863659, MONDO:0011350, OMIM 603622.

Allele frequency attached by ClinVar (database versions not stated): gnomAD exomes 0.00076 and 0.00150; gnomAD 0.00087 and 0.00088; TOPMed 0.00096; ESP Exome Variant Server 0.00115; ExAC 0.00119.
gnomAD v4.1: 1,355 of 1,609,764 alleles (0.084%); highest among the groups gnomAD compares: Non-Finnish European, 0.018%; 18 homozygotes.

Submissions (11):

CeGaT Center for Human Genetics Tuebingen
Classification: Likely benign. Last evaluated: 2026-08-01. Review status: criteria provided, single submitter. Criteria: CeGaT Center For Human Genetics Tuebingen Variant Classification Criteria Version 2. Collection method: clinical testing. Allele origin: germline. Affected: yes. Observed: 1 variant allele.
Comment: MYH9: BS1

Labcorp Genetics (formerly Invitae), Labcorp
Classification: Benign. Last evaluated: 2026-01-20. Review status: criteria provided, single submitter. Criteria: Invitae Variant Classification Sherloc (09022015). Collection method: clinical testing. Allele origin: germline.

Blueprint Genetics
Classification: Likely benign. Last evaluated: 2024-11-28. Review status: criteria provided, single submitter. Criteria: ACMG Guidelines, 2015. Collection method: clinical testing. Allele origin: germline.

Mayo Clinic Laboratories, Mayo Clinic
Classification: Likely benign. Last evaluated: 2024-05-06. Review status: criteria provided, single submitter. Criteria: ACMG Guidelines, 2015. Collection method: clinical testing. Allele origin: germline. Observed: 3 variant alleles.
Comment: BS1, BS2_supporting, BP6, PP2

ARUP Laboratories, Molecular Genetics and Genomics, ARUP Laboratories
Classification: Benign. Last evaluated: 2022-05-05. Review status: criteria provided, single submitter. Criteria: ARUP Molecular Germline Variant Investigation Process 2021. Collection method: clinical testing. Allele origin: germline.

GeneDx
Classification: Benign. Last evaluated: 2018-09-17. Review status: criteria provided, single submitter. Criteria: GeneDx Variant Classification Process June 2021. Collection method: clinical testing. Allele origin: germline. Affected: yes.

Illumina Laboratory Services, Illumina
Classification: Benign for MYH9-related disorder. Last evaluated: 2018-01-13. Review status: criteria provided, single submitter. Criteria: ICSL Variant Classification Criteria 13 December 2019. Collection method: clinical testing. Allele origin: germline.
Comment: This variant was observed in the ICSL laboratory as part of a predisposition screen in an ostensibly healthy population. It had not been previously curated by ICSL or reported in the Human Gene Mutation Database (HGMD: prior to June 1st, 2018), and was therefore a candidate for classification through an automated scoring system. Utilizing variant allele frequency, disease prevalence and penetrance estimates, and inheritance mode, an automated score was calculated to assess if this variant is too frequent to cause the disease. Based on the score and internal cut-off values, a variant classified as benign is not then subjected to further curation. The score for this variant resulted in a classification of benign for this disease.

Illumina Laboratory Services, Illumina
Classification: Likely benign for Autosomal dominant nonsyndromic hearing loss 17. Last evaluated: 2018-01-13. Review status: criteria provided, single submitter. Criteria: ICSL Variant Classification Criteria 13 December 2019. Collection method: clinical testing. Allele origin: germline.
Comment: This variant was observed in the ICSL laboratory as part of a predisposition screen in an ostensibly healthy population. It had not been previously curated by ICSL or reported in the Human Gene Mutation Database (HGMD: prior to June 1st, 2018), and was therefore a candidate for classification through an automated scoring system. Utilizing variant allele frequency, disease prevalence and penetrance estimates, and inheritance mode, an automated score was calculated to assess if this variant is too frequent to cause the disease. Based on the score and internal cut-off values, a variant classified as likely benign is not then subjected to further curation. The score for this variant resulted in a classification of likely benign for this disease.

Laboratory for Molecular Medicine, Mass General Brigham Personalized Medicine
Classification: Benign. Last evaluated: 2013-07-17. Review status: criteria provided, single submitter. Criteria: LMM Criteria. Collection method: clinical testing. Allele origin: germline. Observed: 4 variant alleles.
Comment: Arg1576Gln in Exon 33 of MYH9: This variant is not expected to have clinical sig nificance because it has been identified in 1.3% (17/1323) of European chromosom es by the ClinSeq project and in 0.2% (15/8600) of European American chromosomes by the NHLBI Exome Sequencing Project (dbSNP rs143269195).

Breakthrough Genomics
Classification: Likely benign. Review status: criteria provided, single submitter. Criteria: ACMG Guidelines, 2015. Collection method: not provided. Allele origin: germline. Inheritance: Autosomal dominant inheritance. Affected: yes.

PreventionGenetics, part of Exact Sciences
Classification: Likely benign for MYH9-related condition. Last evaluated: 2019-11-26. Review status: no assertion criteria provided. Collection method: clinical testing. Allele origin: germline. Not counted in ClinVar's aggregate classification.
Comment: This variant is classified as likely benign based on ACMG/AMP sequence variant interpretation guidelines (Richards et al. 2015 PMID: 25741868, with internal and published modifications).